The following is an entry in ClinVar:

NM_001267550.2(TTN):c.100169_100170del (p.Pro33389_Phe33390insTer)

Genes: TTN-AS1 (TTN antisense RNA 1; plus strand), TTN (titin; minus strand), LOC126806420 (BRD4-independent group 4 enhancer GRCh37_chr2:179401104-179402303; plus strand). Cytogenetic location: 2q31.2.
Variant type: Deletion.
Coding change: c.100169_100170del on transcript NM_001267550.2 (MANE Select); coding-DNA positions 100169 to 100170, 2 bases deleted (TT; older notation c.100169_100170delTT).
Protein change: p.Pro33389_Phe33390insTer.
Molecular consequence: nonsense.
Genome position (GRCh38, 1-based): chr2:178,536,939-178,536,940, AA deleted on the plus strand (TT on the coding strand, the reverse complement: TTN is on the minus strand); deleting any 2 consecutive bases within chr2:178,536,939-178,536,941 gives the same sequence; the c. name uses the placement nearest the transcript's 3' end. VCF-style (leftmost placement, unchanged base first): chr2-178536938-CAA-C. GRCh37 (hg19) VCF-style: chr2-179401665-CAA-C.
Other names: c.95246_95247del, p.Pro31748_Phe31749insTer (NM_001256850.1); c.72974_72975del, p.Pro24324_Phe24325insTer (NM_003319.4); c.92465_92466del, p.Pro30821_Phe30822insTer (NM_133378.4); c.73349_73350del, p.Pro24449_Phe24450insTer (NM_133432.3); c.73550_73551del, p.Pro24516_Phe24517insTer (NM_133437.4).
Identifiers: ClinVar variation 2941394 (VCV002941394.3), dbSNP rs2468648038, ClinGen allele CA2740096320.
Genomic context (GRCh38, chr2:178,536,938, plus strand): 5'-GAATTTTATGCAAAGATGGAACTTTACCATAGGAAGATACAGAAATCAAGTTGTACTCAC[CAA>C]ATGGACTCTTAATGATCACAACTGAGGACACTTCTAGAGGGTCACTGATGCCGAAAGTGT-3'

ClinVar aggregate classification (germline): Likely pathogenic (1 of 4 stars; one submission).

Conditions:
Dilated cardiomyopathy 1G (CMD1G). Identifiers: Orphanet 154, MedGen C1858763, MONDO:0011400, OMIM 604145.
Autosomal recessive limb-girdle muscular dystrophy type 2J (LGMDR10). Also called: Limb-girdle muscular dystrophy, type 2J; MUSCULAR DYSTROPHY, LIMB-GIRDLE, AUTOSOMAL RECESSIVE 10. Identifiers: Orphanet 140922, MedGen C1837342, MONDO:0012127, OMIM 608807.

Submission:

Labcorp Genetics (formerly Invitae), Labcorp
Classification: Likely pathogenic for Dilated cardiomyopathy 1G; Autosomal recessive limb-girdle muscular dystrophy type 2J. Last evaluated: 2022-11-08. Review status: criteria provided, single submitter. Criteria: Invitae Variant Classification Sherloc (09022015). Collection method: clinical testing. Allele origin: germline.
Comment: This sequence change creates a premature translational stop signal (p.Phe33390*) in the TTN gene. While this is not anticipated to result in nonsense mediated decay, it is expected to create a truncated TTN protein. This variant is not present in population databases (gnomAD no frequency). This variant has not been reported in the literature in individuals affected with TTN-related conditions. This variant is located in the A band of TTN (PMID: 25589632). Truncating variants in this region are significantly overrepresented in patients affected with dilated cardiomyopathy (PMID: 25589632). Truncating variants in this region have also been reported in individuals affected with autosomal recessive centronuclear myopathy (PMID: 23975875). In summary, the currently available evidence indicates that the variant is pathogenic, but additional data are needed to prove that conclusively. Therefore, this variant has been classified as Likely Pathogenic.

Literature cited by the submitters: PubMed 25589632; PubMed 23975875.